The following is an entry in ClinVar:

NM_018129.4(PNPO):c.542G>A (p.Arg181Gln)

Gene: PNPO (pyridoxamine 5'-phosphate oxidase; plus strand). Cytogenetic location: 17q21.32.
Variant type: single nucleotide variant.
Coding change: c.542G>A on transcript NM_018129.4 (MANE Select); coding-DNA position 542, G replaced by A.
Protein change: p.Arg181Gln; replaces arginine 181 with glutamine.
Molecular consequence: missense variant.
Genome position (GRCh38, 1-based): chr17:47,945,985, G>A. VCF-style: chr17-47945985-G-A. GRCh37 (hg19) VCF-style: chr17-46023351-G-A.
Other names: p.R181Q:CGG>CAG; short protein forms R181Q.
Identifiers: ClinVar variation 206448 (VCV000206448.13), dbSNP rs377328326, ClinGen allele CA316561.
Genomic context (GRCh38, chr17:47,945,985, plus strand): 5'-GCCCCAAGAGCAGCCAGATTGGGGCTGTGGTCAGCCACCAGAGTTCTGTGATCCCTGATC[G>A]GGAGGTGAGTGGAGCTCCGCTGTAGTCCTCCAGGTGGTGGAGGCTTTGGCTTATCCCCAG-3'
Protein context (NP_060599.1, residues 171-191): VSHQSSVIPD[Arg181Gln]EYLRKKNEEL

ClinVar aggregate classification (germline): Uncertain significance. Review status: criteria provided, multiple submitters, no conflicts (2 of 4 stars). 4 submissions from 4 submitters: Uncertain significance (4). Last evaluated 2024-01-19.

Conditions:
Inborn genetic diseases. Identifiers: MedGen C0950123, MeSH D030342.
Pyridoxal phosphate-responsive seizures (PNPOD). Also called: SEIZURES, PYRIDOXINE-RESISTANT, PLP-SENSITIVE; EPILEPTIC ENCEPHALOPATHY, NEONATAL, PNPO-RELATED; Pyridoxine-5'-phosphate oxidase deficiency; Pyridoxal 5'-Phosphate (PLP)-Dependent Epilepsy; Pyridoxamine 5-Prime-Phosphate Oxidase Deficiency. Identifiers: Orphanet 79096, MedGen C1864723, MONDO:0012407, OMIM 610090. Disease mechanism: loss of function.

Allele frequency attached by ClinVar (database versions not stated): ESP Exome Variant Server 0.00023; gnomAD 0.00024 and 0.00027; TOPMed 0.00037.
gnomAD v4.1: 177 of 1,613,724 alleles (0.011%); highest among the groups gnomAD compares: African/African-American, 0.11%; no homozygotes.

Submissions (4):

Ambry Genetics
Classification: Uncertain significance for Inborn genetic diseases. Last evaluated: 2024-01-19. Review status: criteria provided, single submitter. Criteria: Ambry Variant Classification Scheme 2023. Collection method: clinical testing. Allele origin: germline.

Labcorp Genetics (formerly Invitae), Labcorp
Classification: Uncertain significance for Pyridoxal phosphate-responsive seizures. Last evaluated: 2022-08-23. Review status: criteria provided, single submitter. Criteria: Invitae Variant Classification Sherloc (09022015). Collection method: clinical testing. Allele origin: germline.
Comment: This sequence change replaces arginine, which is basic and polar, with glutamine, which is neutral and polar, at codon 181 of the PNPO protein (p.Arg181Gln). This variant is present in population databases (rs377328326, gnomAD 0.1%). This variant has not been reported in the literature in individuals affected with PNPO-related conditions. ClinVar contains an entry for this variant (Variation ID: 206448). Algorithms developed to predict the effect of missense changes on protein structure and function are either unavailable or do not agree on the potential impact of this missense change (SIFT: "Deleterious"; PolyPhen-2: "Possibly Damaging"; Align-GVGD: "Class C0"). Algorithms developed to predict the effect of sequence changes on RNA splicing suggest that this variant may create or strengthen a splice site. In summary, the available evidence is currently insufficient to determine the role of this variant in disease. Therefore, it has been classified as a Variant of Uncertain Significance.

GeneDx
Classification: Uncertain significance. Last evaluated: 2022-05-05. Review status: criteria provided, single submitter. Criteria: GeneDx Variant Classification Process June 2021. Collection method: clinical testing. Allele origin: germline. Affected: yes.
Comment: In silico analysis supports that this missense variant has a deleterious effect on protein structure/function; Has not been previously published as pathogenic or benign to our knowledge

New York Genome Center
Classification: Uncertain significance for Pyridoxal phosphate-responsive seizures. Last evaluated: 2021-08-06. Review status: criteria provided, single submitter. Criteria: NYGC Assertion Criteria 2020. Collection method: clinical testing. Allele origin: inherited. Observed: 1 heterozygote. Study: CSER-NYCKidSeq.